The following is an entry in ClinVar:

NM_001735.3(C5):c.3937A>G (p.Ile1313Val)

Gene: C5 (complement C5; minus strand). Cytogenetic location: 9q33.2.
Variant type: single nucleotide variant.
Coding change: c.3937A>G on transcript NM_001735.3 (MANE Select); coding-DNA position 3937, A replaced by G.
Protein change: p.Ile1313Val; replaces isoleucine 1313 with valine.
Molecular consequence: missense variant.
Genome position (GRCh38, 1-based): chr9:120,974,859, T>C on the plus strand (A>G on the coding strand, the complement: C5 is on the minus strand). VCF-style: chr9-120974859-T-C. GRCh37 (hg19) VCF-style: chr9-123737137-T-C.
Other names: c.3955A>G, p.Ile1319Val (NM_001317163.2); short protein forms I1313V, I1319V.
Identifiers: ClinVar variation 1391011 (VCV001391011.3), dbSNP rs1250249965, ClinGen allele CA374725757.

ClinVar aggregate classification (germline): Uncertain significance (1 of 4 stars; one submission).

Allele frequency attached by ClinVar (database versions not stated): TOPMed below 0.00001; gnomAD exomes 0.00001.
gnomAD v4.1: 19 of 1,613,918 alleles (0.0012%); highest among the groups gnomAD compares: Non-Finnish European, 0.0016%; no homozygotes.

Submission:

Labcorp Genetics (formerly Invitae), Labcorp
Classification: Uncertain significance. Last evaluated: 2022-10-18. Review status: criteria provided, single submitter. Criteria: Invitae Variant Classification Sherloc (09022015). Collection method: clinical testing. Allele origin: germline.
Comment: This sequence change replaces isoleucine, which is neutral and non-polar, with valine, which is neutral and non-polar, at codon 1313 of the C5 protein (p.Ile1313Val). This variant is not present in population databases (gnomAD no frequency). This variant has not been reported in the literature in individuals affected with C5-related conditions. ClinVar contains an entry for this variant (Variation ID: 1391011). Advanced modeling of protein sequence and biophysical properties (such as structural, functional, and spatial information, amino acid conservation, physicochemical variation, residue mobility, and thermodynamic stability) performed at Invitae indicates that this missense variant is not expected to disrupt C5 protein function. In summary, the available evidence is currently insufficient to determine the role of this variant in disease. Therefore, it has been classified as a Variant of Uncertain Significance.